The following is an entry in ClinVar:

NM_020843.4(SCAPER):c.*8G>T

Gene: SCAPER (S-phase cyclin A associated protein in the ER; minus strand). Cytogenetic location: 15q24.3.
Variant type: single nucleotide variant.
Coding change: c.*8G>T on transcript NM_020843.4 (MANE Select); 8 bases downstream of the stop codon, G replaced by T.
Molecular consequence: 3 prime UTR variant. On other transcripts: non-coding transcript variant (1).
Genome position (GRCh38, 1-based): chr15:76,348,625, C>A on the plus strand (G>T on the coding strand, the complement: SCAPER is on the minus strand). VCF-style: chr15-76348625-C-A. GRCh37 (hg19) VCF-style: chr15-76640966-C-A.
Other names: c.*8G>T (NM_001145923.2, NM_001353009.2, NM_001353010.2 and 2 more transcripts).
Identifiers: ClinVar variation 5001513 (VCV005001513.1).

ClinVar aggregate classification (germline): Uncertain significance (1 of 4 stars; one submission).

Conditions:
SCAPER-related disorder. Also called: SCAPER-related condition.

Submission:

PreventionGenetics, part of Exact Sciences
Classification: Uncertain significance for SCAPER-related condition. Last evaluated: 2025-05-21. Review status: criteria provided, single submitter. Criteria: ACMG Guidelines, 2015. Collection method: clinical testing. Allele origin: germline.
Comment: The SCAPER c.*8G>T variant is located in the 3' untranslated region. To our knowledge, this variant has not been reported in the literature. This variant is reported in 0.011% of alleles (1/31362 total alleles) in individuals of African descent in gnomAD. At this time, the clinical significance of this variant is uncertain due to the absence of conclusive functional and genetic evidence.